The following is an entry in ClinVar:

NM_194255.4(SLC19A1):c.181C>T (p.Arg61Trp)

Gene: SLC19A1 (solute carrier family 19 member 1; minus strand). Cytogenetic location: 21q22.3.
Variant type: single nucleotide variant.
Coding change: c.181C>T on transcript NM_194255.4 (MANE Select); coding-DNA position 181, C replaced by T.
Protein change: p.Arg61Trp; replaces arginine 61 with tryptophan.
Molecular consequence: missense variant. On other transcripts: 5 prime UTR variant (1).
Genome position (GRCh38, 1-based): chr21:45,537,779, G>A on the plus strand (C>T on the coding strand, the complement: SLC19A1 is on the minus strand). VCF-style: chr21-45537779-G-A. GRCh37 (hg19) VCF-style: chr21-46957693-G-A.
Other names: c.181C>T, p.Arg61Trp (NM_001205206.4, NM_001352511.3, NM_001352512.2); c.-178C>T (NM_001352510.2); short protein forms R61W.
Identifiers: ClinVar variation 2198029 (VCV002198029.5), dbSNP rs142360873, ClinGen allele CA10068727.

ClinVar aggregate classification (germline): Uncertain significance (1 of 4 stars; one submission).

Allele frequency attached by ClinVar (database versions not stated): TOPMed 0.00007; gnomAD exomes 0.00008; gnomAD 0.00011; ESP Exome Variant Server 0.00015; ExAC 0.00021.
gnomAD v4.1: 96 of 1,162,624 alleles (0.0083%); highest among the groups gnomAD compares: Middle Eastern, 0.028%; no homozygotes.

Submissions (3):

Labcorp Genetics (formerly Invitae), Labcorp
Classification: Uncertain significance. Last evaluated: 2022-09-01. Review status: criteria provided, single submitter. Criteria: Invitae Variant Classification Sherloc (09022015). Collection method: clinical testing. Allele origin: germline.
Comment: This variant is present in population databases (rs142360873, gnomAD 0.01%). This sequence change replaces arginine, which is basic and polar, with tryptophan, which is neutral and slightly polar, at codon 61 of the SLC19A1 protein (p.Arg61Trp). This variant has not been reported in the literature in individuals affected with SLC19A1-related conditions. Algorithms developed to predict the effect of missense changes on protein structure and function are either unavailable or do not agree on the potential impact of this missense change (SIFT: "Deleterious"; PolyPhen-2: "Benign"; Align-GVGD: "Class C0"). In summary, the available evidence is currently insufficient to determine the role of this variant in disease. Therefore, it has been classified as a Variant of Uncertain Significance.

Dr. Peter K. Rogan Lab, Western University
No classification provided (evidence only). Condition: Melanoma. Review status: no classification provided. Collection method: in vitro. Allele origin: not applicable. Functional consequence: retained intron. Not counted in ClinVar's aggregate classification.

Dr. Peter K. Rogan Lab, Western University
No classification provided (evidence only). Condition: Sarcoma. Review status: no classification provided. Collection method: in vitro. Allele origin: not applicable. Functional consequence: retained intron. Not counted in ClinVar's aggregate classification.